The following is an entry in ClinVar:

NM_024702.3(ZNF750):c.863C>T (p.Pro288Leu)

Genes: TBCD (tubulin folding cofactor D), ZNF750 (zinc finger protein 750; minus strand). Cytogenetic location: 17q25.3.
Variant type: single nucleotide variant.
Coding change: c.863C>T on transcript NM_024702.3 (MANE Select); coding-DNA position 863, C replaced by T.
Protein change: p.Pro288Leu; replaces proline 288 with leucine.
Molecular consequence: missense variant. On other transcripts: intron variant (3).
Genome position (GRCh38, 1-based): chr17:82,831,592, G>A on the plus strand (C>T on the coding strand, the complement: ZNF750 is on the minus strand). VCF-style: chr17-82831592-G-A. GRCh37 (hg19) VCF-style: chr17-80789468-G-A.
Other names: c.1318+16658G>A (NM_005993.5, NM_001411102.1); c.1267+16658G>A (NM_001411101.1); short protein forms P288L.
Identifiers: ClinVar variation 3060437 (VCV003060437.2), dbSNP rs35653278, ClinGen allele CA8862340.
Genomic context (GRCh38, chr17:82,831,592, plus strand): 5'-AAAAACCTGTAGTGATCGTATGTGGCTGGAGATGGAGCCAGGTGCTTAGGGATCGGCCCC[G>A]GGTGAGGCAGGAAGTGTCTCGGGTCTTGGGTTCCGTAGACTGACAGCAGGGGTGCGTCAC-3'
Protein context (NP_078978.2, residues 278-298): TQDPRHFLPH[Pro288Leu]GPIPKHLAPS

ClinVar aggregate classification (germline): Benign (0 of 4 stars; one submission).

Conditions:
ZNF750-related disorder. Also called: ZNF750-related condition.

Allele frequency attached by ClinVar (database versions not stated): 1000 Genomes Project 0.02057; 1000 Genomes Project 30x 0.02171; TOPMed 0.05893; gnomAD 0.06897; ESP Exome Variant Server 0.07581.
gnomAD v4.1: 145,632 of 1,614,130 alleles (9%); highest among the groups gnomAD compares: Non-Finnish European, 11%; 7,861 homozygotes.

Submission:

PreventionGenetics, part of Exact Sciences
Classification: Benign for ZNF750-related condition. Last evaluated: 2020-02-20. Review status: no assertion criteria provided. Collection method: clinical testing. Allele origin: germline.
Comment: This variant is classified as benign based on ACMG/AMP sequence variant interpretation guidelines (Richards et al. 2015 PMID: 25741868, with internal and published modifications).